The following is an entry in ClinVar:

ClinVar aggregate classification (germline): Pathogenic. Review status: criteria provided, multiple submitters, no conflicts (2 of 4 stars). 3 submissions from 3 submitters: Pathogenic (3). Last evaluated 2022-10-30.

Conditions:
Duchenne muscular dystrophy (DMD). Also called: Duchenne Muscular Dystrophy (DMD); MUSCULAR DYSTROPHY, PSEUDOHYPERTROPHIC PROGRESSIVE, DUCHENNE TYPE. Identifiers: Orphanet 98896, MedGen C0013264, MONDO:0010679, OMIM 310200.

Submissions (3):

Labcorp Genetics (formerly Invitae), Labcorp
Classification: Pathogenic for Duchenne muscular dystrophy. Last evaluated: 2022-10-30. Review status: criteria provided, single submitter. Criteria: Invitae Variant Classification Sherloc (09022015). Collection method: clinical testing. Allele origin: germline.
Comment: This sequence change creates a premature translational stop signal (p.Asn3519Glufs*7) in the DMD gene. It is expected to result in an absent or disrupted protein product. Loss-of-function variants in DMD are known to be pathogenic (PMID: 16770791, 25007885). For these reasons, this variant has been classified as Pathogenic. ClinVar contains an entry for this variant (Variation ID: 524098). This variant has not been reported in the literature in individuals affected with DMD-related conditions. This variant is not present in population databases (gnomAD no frequency).

GeneDx
Classification: Pathogenic. Last evaluated: 2018-04-11. Review status: criteria provided, single submitter. Criteria: GeneDx Variant Classification (06012015). Collection method: clinical testing. Allele origin: germline. Affected: yes.
Comment: The c..10554dupG variant causes a frameshift starting with codon Asparagine 3519, changes thisamino acid to a Glutamic acid residue and creates a premature Stop codon at position 7 of the newreading frame, denoted p.Asn3519GlufsX7. This variant is predicted to cause loss of normal proteinfunction either through protein truncation or nonsense-mediated mRNA decay. The c.10554dupGvariant is not observed in large population cohorts (Lek et al., 2016). Although this variant has notbeen reported previously to our knowledge, other frameshift variants have been reported in theHuman Gene Mutation Database in association with dystrophinopathy (Stenson et al., 2014).Therefore, we interpret c.10554dupG as a pathogenic variant.

Eurofins Ntd Llc (ga)
Classification: Pathogenic. Last evaluated: 2017-09-19. Review status: criteria provided, single submitter. Criteria: EGL Classification Definitions 2015. Collection method: clinical testing. Allele origin: germline. Observed: 1 variant allele, 1 hemizygote.

Literature cited by the submitters: PubMed 16770791 (cited by Labcorp Genetics (formerly Invitae), Labcorp); PubMed 25007885 (cited by Labcorp Genetics (formerly Invitae), Labcorp).

NC_000023.11:g.31147519dup

Gene: DMD (dystrophin; minus strand). Cytogenetic location: Xp21.2.
Variant type: Duplication.
Genome position: GRCh38 VCF-style: chrX-31147517-T-TC. GRCh37 (hg19) VCF-style: chrX-31165634-T-TC.
Identifiers: ClinVar variation 524098 (VCV000524098.9), dbSNP rs1555998436, ClinGen allele CA658799646.